The following is an entry in ClinVar:

NM_001242809.2(ANKRD6):c.1518C>T (p.Cys506=)

Gene: ANKRD6 (ankyrin repeat domain 6; plus strand). Cytogenetic location: 6q15.
Variant type: single nucleotide variant.
Coding change: c.1518C>T on transcript NM_001242809.2 (MANE Select); coding-DNA position 1518, C replaced by T.
Protein change: p.Cys506=; no amino-acid change (cysteine 506 retained).
Molecular consequence: synonymous variant.
Genome position (GRCh38, 1-based): chr6:89,629,144, C>T. VCF-style: chr6-89629144-C-T. GRCh37 (hg19) VCF-style: chr6-90338863-C-T.
Other names: NC_000006.11:g.90338863C>T; c.1518C>T, p.Cys506= (NM_001242811.1, NM_014942.4); c.1413C>T, p.Cys471= (NM_001242813.1); c.1341C>T, p.Cys447= (NM_001242814.1).
Identifiers: ClinVar variation 3058844 (VCV003058844.3), dbSNP rs9353687, ClinGen allele CA3921567.

ClinVar aggregate classification (germline): Benign (0 of 4 stars; one submission).

Conditions:
ANKRD6-related disorder. Also called: ANKRD6-related condition.

Allele frequency attached by ClinVar (database versions not stated): ESP Exome Variant Server 0.18347; 1000 Genomes Project 30x 0.16334; 1000 Genomes Project 0.16793; ExAC 0.16889; gnomAD exomes 0.17510; TOPMed 0.17953; gnomAD 0.17992.
gnomAD v4.1: 283,296 of 1,611,780 alleles (18%); highest among the groups gnomAD compares: East Asian, 20%; 25,618 homozygotes.

Submissions (11):

PreventionGenetics, part of Exact Sciences
Classification: Benign for ANKRD6-related condition. Last evaluated: 2019-10-21. Review status: no assertion criteria provided. Collection method: clinical testing. Allele origin: germline.
Comment: This variant is classified as benign based on ACMG/AMP sequence variant interpretation guidelines (Richards et al. 2015 PMID: 25741868, with internal and published modifications).

Dr. Peter K. Rogan Lab, Western University
No classification provided (evidence only). Condition: Cholangiocarcinoma. Review status: no classification provided. Collection method: in vitro. Allele origin: not applicable. Functional consequence: retained intron. Not counted in ClinVar's aggregate classification.

Dr. Peter K. Rogan Lab, Western University
No classification provided (evidence only). Condition: Uterine carcinosarcoma. Review status: no classification provided. Collection method: in vitro. Allele origin: not applicable. Functional consequence: retained intron. Not counted in ClinVar's aggregate classification.

Dr. Peter K. Rogan Lab, Western University
No classification provided (evidence only). Condition: Uterine carcinosarcoma. Review status: no classification provided. Collection method: in vitro. Allele origin: not applicable. Functional consequence: retained intron. Not counted in ClinVar's aggregate classification.

Dr. Peter K. Rogan Lab, Western University
No classification provided (evidence only). Condition: Uterine carcinosarcoma. Review status: no classification provided. Collection method: in vitro. Allele origin: not applicable. Functional consequence: retained intron. Not counted in ClinVar's aggregate classification.

Dr. Peter K. Rogan Lab, Western University
No classification provided (evidence only). Condition: Uterine carcinosarcoma. Review status: no classification provided. Collection method: in vitro. Allele origin: not applicable. Functional consequence: retained intron. Not counted in ClinVar's aggregate classification.

Dr. Peter K. Rogan Lab, Western University
No classification provided (evidence only). Condition: Uterine carcinosarcoma. Review status: no classification provided. Collection method: in vitro. Allele origin: not applicable. Functional consequence: retained intron. Not counted in ClinVar's aggregate classification.

Dr. Peter K. Rogan Lab, Western University
No classification provided (evidence only). Condition: Uterine carcinosarcoma. Review status: no classification provided. Collection method: in vitro. Allele origin: not applicable. Functional consequence: retained intron. Not counted in ClinVar's aggregate classification.

Dr. Peter K. Rogan Lab, Western University
No classification provided (evidence only). Condition: Uveal melanoma. Review status: no classification provided. Collection method: in vitro. Allele origin: not applicable. Functional consequence: retained intron. Not counted in ClinVar's aggregate classification.

Dr. Peter K. Rogan Lab, Western University
No classification provided (evidence only). Condition: Uveal melanoma. Review status: no classification provided. Collection method: in vitro. Allele origin: not applicable. Functional consequence: retained intron. Not counted in ClinVar's aggregate classification.

Dr. Peter K. Rogan Lab, Western University
No classification provided (evidence only). Condition: Uveal melanoma. Review status: no classification provided. Collection method: in vitro. Allele origin: not applicable. Functional consequence: retained intron. Not counted in ClinVar's aggregate classification.